The following is an entry in ClinVar:

NM_199420.4(POLQ):c.6936T>G (p.Ile2312Met)

Gene: POLQ (DNA polymerase theta; minus strand). Cytogenetic location: 3q13.33.
Variant type: single nucleotide variant.
Coding change: c.6936T>G on transcript NM_199420.4 (MANE Select); coding-DNA position 6936, T replaced by G.
Protein change: p.Ile2312Met; replaces isoleucine 2312 with methionine.
Molecular consequence: missense variant.
Genome position (GRCh38, 1-based): chr3:121,467,550, A>C on the plus strand (T>G on the coding strand, the complement: POLQ is on the minus strand). VCF-style: chr3-121467550-A-C. GRCh37 (hg19) VCF-style: chr3-121186397-A-C.
Other names: short protein forms I2312M.
Identifiers: ClinVar variation 1756223 (VCV001756223.3), dbSNP rs753274835, ClinGen allele CA2562319.
Genomic context (GRCh38, chr3:121,467,550, plus strand): 5'-AGAAGCTTCAAAGCTATCAGCCACCTTACCTGGGAAAGGCACAAAGGCATGTCGCATGCT[A>C]ATTGAAAATGGCATTCCTCTGTCTGCAGCTCTCTCCTCCATCTGTGCCTGGCATCTAGGA-3'
Protein context (NP_955452.3, residues 2302-2322): RAADRGMPFS[Ile2312Met]SMRHAFVPFP

ClinVar aggregate classification (germline): Uncertain significance (1 of 4 stars; one submission).

Allele frequency attached by ClinVar (database versions not stated): gnomAD exomes below 0.00001; ExAC 0.00001.
gnomAD v4.1: 6 of 1,614,070 alleles (0.00037%); highest among the groups gnomAD compares: Non-Finnish European, 0.00051%; no homozygotes.

Submission:

Ambry Genetics
Classification: Uncertain significance. Last evaluated: 2024-05-04. Review status: criteria provided, single submitter. Criteria: Ambry Variant Classification Scheme 2023. Collection method: clinical testing. Allele origin: germline.
Comment: The p.I2312M variant (also known as c.6936T>G), located in coding exon 24 of the POLQ gene, results from a T to G substitution at nucleotide position 6936. The isoleucine at codon 2312 is replaced by methionine, an amino acid with highly similar properties. This amino acid position is conserved. In addition, this alteration is predicted to be tolerated by in silico analysis. Since supporting evidence is limited at this time, the clinical significance of this alteration remains unclear.